The following is an entry in ClinVar:

NM_016203.4(PRKAG2):c.754+15_754+45del

Genes: PRKAG2 (protein kinase AMP-activated non-catalytic subunit gamma 2; minus strand), LOC129999660 (ATAC-STARR-seq lymphoblastoid silent region 18823; plus strand). Cytogenetic location: 7q36.1.
Variant type: Deletion.
Coding change: c.754+15_754+45del on transcript NM_016203.4 (MANE Select); bases 15 to 45 of the intron after coding-DNA position 754, 31 bases deleted.
Molecular consequence: intron variant.
Genome position (GRCh38, 1-based): chr7:151,632,024-151,632,054, 31 bases deleted; deleting any 31 consecutive bases within chr7:151,632,024-151,632,058 gives the same sequence; the c. name uses the placement nearest the transcript's 3' end. GRCh37 (hg19): chr7:151,329,114-151,329,144.
Other names: c.467-36603_467-36573del (NM_001407031.1); c.467-36600_467-36570del (NM_001407030.1); c.754+15_754+45del (NM_001407023.1, NM_001407022.1, NM_001407021.1); c.436+15_436+45del (NM_001407032.1); c.622+15_622+45del (NM_001407026.1, NM_001040633.2, NM_001407027.1 and 1 more transcripts); c.430+15_430+45del (NM_001407033.1); c.95-36603_95-36573del (NM_001407037.1); c.82+15_82+45del (NM_001407038.1); and 2 more.
Identifiers: ClinVar variation 3682538 (VCV003682538.2).

ClinVar aggregate classification (germline): Uncertain significance (1 of 4 stars; one submission).

Conditions:
Lethal congenital glycogen storage disease of heart. Also called: GLYCOGEN STORAGE DISEASE OF HEART; PHOSPHORYLASE KINASE DEFICIENCY OF HEART. Identifiers: Orphanet 439854, MedGen C1849813, MONDO:0009867, OMIM 261740.

Submission:

Labcorp Genetics (formerly Invitae), Labcorp
Classification: Uncertain significance for Lethal congenital glycogen storage disease of heart. Last evaluated: 2024-07-31. Review status: criteria provided, single submitter. Criteria: Invitae Variant Classification Sherloc (09022015). Collection method: clinical testing. Allele origin: germline.
Comment: This sequence change falls in intron 5 of the PRKAG2 gene. It does not directly change the encoded amino acid sequence of the PRKAG2 protein. This variant is not present in population databases (gnomAD no frequency). This variant has not been reported in the literature in individuals affected with PRKAG2-related conditions. In summary, the available evidence is currently insufficient to determine the role of this variant in disease. Therefore, it has been classified as a Variant of Uncertain Significance.